The following is an entry in ClinVar:

ClinVar aggregate classification (germline): Uncertain significance. Review status: criteria provided, multiple submitters, no conflicts (2 of 4 stars). 2 submissions from 2 submitters: Uncertain significance (2). Last evaluated 2025-06-09.

Submissions (2):

GeneDx
Classification: Uncertain significance. Last evaluated: 2025-06-09. Review status: criteria provided, single submitter. Criteria: GeneDx Variant Classification Process June 2021. Collection method: clinical testing. Allele origin: germline. Affected: yes.
Comment: Not observed at significant frequency in large population cohorts (gnomAD); In silico analysis suggests that this missense variant does not alter protein structure/function; Has not been previously published as pathogenic or benign to our knowledge

Ambry Genetics
Classification: Uncertain significance. Last evaluated: 2024-12-25. Review status: criteria provided, single submitter. Criteria: Ambry Variant Classification Scheme 2023. Collection method: clinical testing. Allele origin: germline.

NM_003201.3(TFAM):c.370A>G (p.Ser124Gly)

Gene: TFAM (transcription factor A, mitochondrial; plus strand). Cytogenetic location: 10q21.1.
Variant type: single nucleotide variant.
Coding change: c.370A>G on transcript NM_003201.3 (MANE Select); coding-DNA position 370, A replaced by G.
Protein change: p.Ser124Gly; replaces serine 124 with glycine.
Molecular consequence: missense variant. On other transcripts: non-coding transcript variant (1).
Genome position (GRCh38, 1-based): chr10:58,388,748, A>G. VCF-style: chr10-58388748-A-G. GRCh37 (hg19) VCF-style: chr10-60148508-A-G.
Other names: c.370A>G, p.Ser124Gly (NM_001270782.2); c.370A>G (NM_003201.2); short protein forms S124G.
Identifiers: ClinVar variation 3806250 (VCV003806250.2).
Genomic context (GRCh38, chr10:58,388,748, plus strand): 5'-AGGGCGGAGTGGCAGGTATATAAAGAAGAGATAAGCAGATTTAAAGAACAGCTAACTCCA[A>G]GTCAGATTATGTCTTTGGAAAAAGAAATCATGGACAAACATTTAAAAAGGAAAGCTATGA-3'
Protein context (NP_003192.1, residues 114-134): ISRFKEQLTP[Ser124Gly]QIMSLEKEIM